The following is an entry in ClinVar:

NM_000843.4(GRM6):c.2323G>A (p.Val775Met)

Genes: GRM6 (glutamate metabotropic receptor 6; minus strand), ZNF454 (zinc finger protein 454; plus strand). Cytogenetic location: 5q35.3.
Variant type: single nucleotide variant.
Coding change: c.2323G>A on transcript NM_000843.4 (MANE Select); coding-DNA position 2323, G replaced by A.
Protein change: p.Val775Met; replaces valine 775 with methionine.
Molecular consequence: missense variant.
Genome position (GRCh38, 1-based): chr5:178,983,023, C>T on the plus strand (G>A on the coding strand, the complement: GRM6 is on the minus strand). VCF-style: chr5-178983023-C-T. GRCh37 (hg19) VCF-style: chr5-178410024-C-T.
Other names: short protein forms V775M.
Identifiers: ClinVar variation 1061109 (VCV001061109.6), dbSNP rs760164627, ClinGen allele CA3593566.

ClinVar aggregate classification (germline): Uncertain significance. Review status: criteria provided, multiple submitters, no conflicts (2 of 4 stars). 2 submissions from 2 submitters: Uncertain significance (2). Last evaluated 2024-08-14.

Allele frequency attached by ClinVar (database versions not stated): gnomAD exomes 0.00002; ExAC 0.00004; gnomAD 0.00004; TOPMed 0.00007.
gnomAD v4.1: 90 of 1,613,996 alleles (0.0056%); highest among the groups gnomAD compares: Non-Finnish European, 0.0068%; no homozygotes.

Submissions (2):

Blueprint Genetics
Classification: Uncertain significance. Last evaluated: 2024-08-14. Review status: criteria provided, single submitter. Criteria: ACMG Guidelines, 2015. Collection method: clinical testing. Allele origin: germline.

Labcorp Genetics (formerly Invitae), Labcorp
Classification: Uncertain significance. Last evaluated: 2022-06-25. Review status: criteria provided, single submitter. Criteria: Invitae Variant Classification Sherloc (09022015). Collection method: clinical testing. Allele origin: germline.
Comment: In summary, the available evidence is currently insufficient to determine the role of this variant in disease. Therefore, it has been classified as a Variant of Uncertain Significance. Advanced modeling of protein sequence and biophysical properties (such as structural, functional, and spatial information, amino acid conservation, physicochemical variation, residue mobility, and thermodynamic stability) performed at Invitae indicates that this missense variant is expected to disrupt GRM6 protein function. ClinVar contains an entry for this variant (Variation ID: 1061109). This variant has not been reported in the literature in individuals affected with GRM6-related conditions. This variant is present in population databases (rs760164627, gnomAD 0.008%). This sequence change replaces valine, which is neutral and non-polar, with methionine, which is neutral and non-polar, at codon 775 of the GRM6 protein (p.Val775Met).